The following is an entry in ClinVar:

NM_001077525.3(MTMR14):c.166C>G (p.Arg56Gly)

Gene: MTMR14 (myotubularin related protein 14; plus strand). Cytogenetic location: 3p25.3.
Variant type: single nucleotide variant.
Coding change: c.166C>G on transcript NM_001077525.3 (MANE Select); coding-DNA position 166, C replaced by G.
Protein change: p.Arg56Gly; replaces arginine 56 with glycine.
Molecular consequence: missense variant. On other transcripts: 5 prime UTR variant (14), non-coding transcript variant (8), intron variant (6).
Genome position (GRCh38, 1-based): chr3:9,653,627, C>G. VCF-style: chr3-9653627-C-G. GRCh37 (hg19) VCF-style: chr3-9695311-C-G.
Other names: c.166C>G (NM_022485.4); c.-401C>G (NM_001400538.1, NM_001400541.1, NM_001400542.1 and 3 more transcripts); c.-340C>G (NM_001400539.1, NM_001400545.1, NM_001400533.1); c.-368C>G (NM_001400540.1); c.-413C>G (NM_001400544.1); c.-550C>G (NM_001400547.1); c.-474C>G (NM_001400548.1); c.-304C>G (NM_001400550.1); and 5 more; short protein forms R56G, R79G.
Identifiers: ClinVar variation 2037215 (VCV002037215.7), dbSNP rs377332766, ClinGen allele CA2240188.

ClinVar aggregate classification (germline): Uncertain significance. Review status: criteria provided, multiple submitters, no conflicts (2 of 4 stars). 3 submissions from 3 submitters: Uncertain significance (3). Last evaluated 2023-12-19.

Allele frequency attached by ClinVar (database versions not stated): gnomAD 0.00005; ExAC 0.00007; ESP Exome Variant Server 0.00008.
gnomAD v4.1: 116 of 1,613,926 alleles (0.0072%); highest among the groups gnomAD compares: Non-Finnish European, 0.0093%; no homozygotes.

Submissions (3):

Ambry Genetics
Classification: Uncertain significance. Last evaluated: 2023-12-19. Review status: criteria provided, single submitter. Criteria: Ambry Variant Classification Scheme 2023. Collection method: clinical testing. Allele origin: germline.

Labcorp Genetics (formerly Invitae), Labcorp
Classification: Uncertain significance. Last evaluated: 2023-11-28. Review status: criteria provided, single submitter. Criteria: Invitae Variant Classification Sherloc (09022015). Collection method: clinical testing. Allele origin: germline.
Comment: This sequence change replaces arginine, which is basic and polar, with glycine, which is neutral and non-polar, at codon 56 of the MTMR14 protein (p.Arg56Gly). The frequency data for this variant in the population databases is considered unreliable, as metrics indicate poor data quality at this position in the gnomAD database. This variant has not been reported in the literature in individuals affected with MTMR14-related conditions. ClinVar contains an entry for this variant (Variation ID: 2037215). Advanced modeling of protein sequence and biophysical properties (such as structural, functional, and spatial information, amino acid conservation, physicochemical variation, residue mobility, and thermodynamic stability) performed at Invitae indicates that this missense variant is not expected to disrupt MTMR14 protein function with a negative predictive value of 80%. In summary, the available evidence is currently insufficient to determine the role of this variant in disease. Therefore, it has been classified as a Variant of Uncertain Significance.

Revvity Omics, Revvity
Classification: Uncertain significance. Last evaluated: 2019-07-10. Review status: criteria provided, single submitter. Criteria: ACMG Guidelines, 2015. Collection method: clinical testing. Allele origin: germline.